The following is an entry in ClinVar:

ClinVar aggregate classification (germline): Uncertain significance (1 of 4 stars; one submission).

Conditions:
Muscular dystrophy-dystroglycanopathy (congenital with brain and eye anomalies), type a, 8 (MDDGA8). Also called: WALKER-WARBURG SYNDROME OR MUSCLE-EYE-BRAIN DISEASE, GTDC2-RELATED. Identifiers: Orphanet 899, MedGen C3553813, MONDO:0013904, OMIM 614830.

gnomAD v4.1: 14 of 1,614,182 alleles (0.00087%); highest among the groups gnomAD compares: Non-Finnish European, 0.0011%; no homozygotes.

Submission:

Labcorp Genetics (formerly Invitae), Labcorp
Classification: Uncertain significance for Muscular dystrophy-dystroglycanopathy (congenital with brain and eye anomalies), type a, 8. Last evaluated: 2025-08-04. Review status: criteria provided, single submitter. Criteria: Invitae Variant Classification Sherloc (09022015). Collection method: clinical testing. Allele origin: germline.
Comment: This sequence change replaces aspartic acid, which is acidic and polar, with asparagine, which is neutral and polar, at codon 118 of the POMGNT2 protein (p.Asp118Asn). This variant is not present in population databases (gnomAD no frequency). This variant has not been reported in the literature in individuals affected with POMGNT2-related conditions. ClinVar contains an entry for this variant (Variation ID: 861295). Invitae Evidence Modeling of protein sequence and biophysical properties (such as structural, functional, and spatial information, amino acid conservation, physicochemical variation, residue mobility, and thermodynamic stability) indicates that this missense variant is not expected to disrupt POMGNT2 protein function with a negative predictive value of 80%. In summary, the available evidence is currently insufficient to determine the role of this variant in disease. Therefore, it has been classified as a Variant of Uncertain Significance.

NM_032806.6(POMGNT2):c.352G>A (p.Asp118Asn)

Gene: POMGNT2 (protein O-linked mannose N-acetylglucosaminyltransferase 2 (beta 1,4-); minus strand). Cytogenetic location: 3p22.1.
Variant type: single nucleotide variant.
Coding change: c.352G>A on transcript NM_032806.6 (MANE Select); coding-DNA position 352, G replaced by A.
Protein change: p.Asp118Asn; replaces aspartic acid 118 with asparagine.
Molecular consequence: missense variant.
Genome position (GRCh38, 1-based): chr3:43,081,080, C>T on the plus strand (G>A on the coding strand, the complement: POMGNT2 is on the minus strand). VCF-style: chr3-43081080-C-T. GRCh37 (hg19) VCF-style: chr3-43122572-C-T.
Other names: short protein forms D118N.
Identifiers: ClinVar variation 861295 (VCV000861295.5), dbSNP rs2089849978, ClinGen allele CA352303416.